The following is an entry in ClinVar:

NM_182961.4(SYNE1):c.11246C>T (p.Thr3749Met)

Gene: SYNE1 (spectrin repeat containing nuclear envelope protein 1; minus strand). Cytogenetic location: 6q25.2.
Variant type: single nucleotide variant.
Coding change: c.11246C>T on transcript NM_182961.4 (MANE Select); coding-DNA position 11246, C replaced by T.
Protein change: p.Thr3749Met; replaces threonine 3749 with methionine.
Molecular consequence: missense variant.
Genome position (GRCh38, 1-based): chr6:152,353,270, G>A on the plus strand (C>T on the coding strand, the complement: SYNE1 is on the minus strand). VCF-style: chr6-152353270-G-A. GRCh37 (hg19) VCF-style: chr6-152674405-G-A.
Other names: c.11201C>T, p.Thr3734Met (NM_033071.5); short protein forms T3734M, T3749M.
Identifiers: ClinVar variation 1418574 (VCV001418574.7), dbSNP rs778034684, ClinGen allele CA4056745.

ClinVar aggregate classification (germline): Conflicting classifications of pathogenicity. Review status: criteria provided, conflicting classifications (1 of 4 stars). 2 submissions from 2 submitters: Uncertain significance (1); Likely benign (1). Last evaluated 2024-03-18.

Conditions:
Autosomal recessive ataxia, Beauce type. Also called: SYNE1-Related Autosomal Recessive Cerebellar Ataxia; SYNE1 Deficiency; Spinocerebellar ataxia, autosomal recessive 8; ATAXIA, RECESSIVE, OF BEAUCE. Identifiers: Orphanet 88644, MedGen C1853116, MONDO:0012549, OMIM 610743.
Emery-Dreifuss muscular dystrophy 4, autosomal dominant (EDMD4). Also called: EMERY-DREIFUSS MUSCULAR DYSTROPHY 4 WITH VARIABLE FEATURES. Identifiers: Orphanet 261, MedGen C2751807, MONDO:0013071, OMIM 612998.

Allele frequency attached by ClinVar (database versions not stated): TOPMed 0.00002; gnomAD 0.00003 and 0.00004; ExAC 0.00005; gnomAD exomes 0.00007.
gnomAD v4.1: 44 of 1,613,972 alleles (0.0027%); highest among the groups gnomAD compares: South Asian, 0.0088%; no homozygotes.

Submissions (2):

Blueprint Genetics
Classification: Likely benign. Last evaluated: 2024-03-18. Review status: criteria provided, single submitter. Criteria: ACMG Guidelines, 2015. Collection method: clinical testing. Allele origin: germline.

Labcorp Genetics (formerly Invitae), Labcorp
Classification: Uncertain significance for Emery-Dreifuss muscular dystrophy 4, autosomal dominant; Autosomal recessive ataxia, Beauce type. Last evaluated: 2024-02-17. Review status: criteria provided, single submitter. Criteria: Invitae Variant Classification Sherloc (09022015). Collection method: clinical testing. Allele origin: germline.
Comment: This sequence change replaces threonine, which is neutral and polar, with methionine, which is neutral and non-polar, at codon 3734 of the SYNE1 protein (p.Thr3734Met). This variant is present in population databases (rs778034684, gnomAD 0.05%). This variant has not been reported in the literature in individuals affected with SYNE1-related conditions. ClinVar contains an entry for this variant (Variation ID: 1418574). Algorithms developed to predict the effect of missense changes on protein structure and function output the following: SIFT: "Not Available"; PolyPhen-2: "Benign"; Align-GVGD: "Not Available". The methionine amino acid residue is found in multiple mammalian species, which suggests that this missense change does not adversely affect protein function. In summary, the available evidence is currently insufficient to determine the role of this variant in disease. Therefore, it has been classified as a Variant of Uncertain Significance.